The following is an entry in ClinVar:

ClinVar aggregate classification (germline): Uncertain significance (1 of 4 stars; one submission).

Conditions:
Inborn genetic diseases. Identifiers: MedGen C0950123, MeSH D030342.

Submission:

Ambry Genetics
Classification: Uncertain significance for Inborn genetic diseases. Last evaluated: 2026-04-19. Review status: criteria provided, single submitter. Criteria: Ambry Variant Classification Scheme 2023. Collection method: clinical testing. Allele origin: germline.
Comment: The p.H190Q variant (also known as c.570C>G), located in coding exon 5 of the ETV6 gene, results from a C to G substitution at nucleotide position 570. The histidine at codon 190 is replaced by glutamine, an amino acid with highly similar properties. This amino acid position is conserved. In addition, this alteration is predicted to be tolerated by in silico analysis. Based on the available evidence, the clinical significance of this variant remains unclear.

NM_001987.5(ETV6):c.570C>G (p.His190Gln)

Gene: ETV6 (ETS variant transcription factor 6; plus strand). Cytogenetic location: 12p13.2.
Variant type: single nucleotide variant.
Coding change: c.570C>G on transcript NM_001987.5 (MANE Select); coding-DNA position 570, C replaced by G.
Protein change: p.His190Gln; replaces histidine 190 with glutamine.
Molecular consequence: missense variant.
Genome position (GRCh38, 1-based): chr12:11,869,530, C>G. VCF-style: chr12-11869530-C-G. GRCh37 (hg19) VCF-style: chr12-12022464-C-G.
Other names: c.567C>G, p.His189Gln (NM_001413913.1); c.543C>G, p.His181Gln (NM_001413914.1); c.306C>G, p.His102Gln (NM_001413915.1); c.570C>G, p.His190Gln (NM_001413916.1, NM_001413917.1); short protein forms H102Q, H181Q, H189Q, H190Q.
Identifiers: ClinVar variation 4870658 (VCV004870658.1).
Genomic context (GRCh38, chr12:11,869,530, plus strand): 5'-CCATAACCCTCCCACCATTGAACTGTTGCACCGCTCCAGGTCACCTATCACGACAAATCA[C>G]CGGCCTTCTCCTGACCCCGAGCAGCGGCCCCTCCGGTCCCCCCTGGACAACATGATCCGC-3'
Protein context (NP_001978.1, residues 180-200): HRSRSPITTN[His190Gln]RPSPDPEQRP